The following is an entry in ClinVar:

NM_173551.5(ANKS6):c.1279C>T (p.Arg427Trp)

Gene: ANKS6 (ankyrin repeat and sterile alpha motif domain containing 6; minus strand). Cytogenetic location: 9q22.33.
Variant type: single nucleotide variant.
Coding change: c.1279C>T on transcript NM_173551.5 (MANE Select); coding-DNA position 1279, C replaced by T.
Protein change: p.Arg427Trp; replaces arginine 427 with tryptophan.
Molecular consequence: missense variant.
Genome position (GRCh38, 1-based): chr9:98,780,278, G>A on the plus strand (C>T on the coding strand, the complement: ANKS6 is on the minus strand). VCF-style: chr9-98780278-G-A. GRCh37 (hg19) VCF-style: chr9-101542560-G-A.
Other names: c.1279C>T (NM_173551.4); short protein forms R427W.
Identifiers: ClinVar variation 2345020 (VCV002345020.5), dbSNP rs776086511, ClinGen allele CA5153563.

ClinVar aggregate classification (germline): Uncertain significance. Review status: criteria provided, multiple submitters, no conflicts (2 of 4 stars). 4 submissions from 4 submitters: Uncertain significance (4). Last evaluated 2026-04-01.

Conditions:
ANKS6-related disorder. Also called: ANKS6-related condition.
Inborn genetic diseases. Identifiers: MedGen C0950123, MeSH D030342.
Nephronophthisis 16 (NPHP16). Identifiers: Orphanet 655, MedGen C3809320, MONDO:0014158, OMIM 615382.

Allele frequency attached by ClinVar (database versions not stated): gnomAD 0.00002; gnomAD exomes 0.00004; TOPMed 0.00004; ExAC 0.00010.
gnomAD v4.1: 59 of 1,611,450 alleles (0.0037%); highest among the groups gnomAD compares: Admixed American, 0.045%; no homozygotes.

Submissions (4):

PreventionGenetics, part of Exact Sciences
Classification: Uncertain significance for ANKS6-related condition. Last evaluated: 2026-04-01. Review status: criteria provided, single submitter. Criteria: ACMG Guidelines, 2015. Collection method: clinical testing. Allele origin: germline.
Comment: The ANKS6 c.1279C>T variant is predicted to result in the amino acid substitution p.Arg427Trp. To our knowledge, this variant has not been reported in the literature. This variant is reported in 0.072% of alleles in individuals of Latino descent in gnomAD, which may be too frequent to be a primary cause of disease. Although we suspect that this variant may be benign, at this time, the clinical significance of this variant is uncertain due to the absence of conclusive functional and genetic evidence.

Labcorp Genetics (formerly Invitae), Labcorp
Classification: Uncertain significance for Nephronophthisis 16. Last evaluated: 2025-05-12. Review status: criteria provided, single submitter. Criteria: Invitae Variant Classification Sherloc (09022015). Collection method: clinical testing. Allele origin: germline.
Comment: This sequence change replaces arginine, which is basic and polar, with tryptophan, which is neutral and slightly polar, at codon 427 of the ANKS6 protein (p.Arg427Trp). This variant is present in population databases (rs776086511, gnomAD 0.08%). This variant has not been reported in the literature in individuals affected with ANKS6-related conditions. ClinVar contains an entry for this variant (Variation ID: 2345020). An algorithm developed to predict the effect of missense changes on protein structure and function (PolyPhen-2) suggests that this variant is likely to be disruptive. In summary, the available evidence is currently insufficient to determine the role of this variant in disease. Therefore, it has been classified as a Variant of Uncertain Significance.

Fulgent Genetics
Classification: Uncertain significance for Nephronophthisis 16. Last evaluated: 2024-03-19. Review status: criteria provided, single submitter. Criteria: ACMG Guidelines, 2015. Collection method: clinical testing. Allele origin: germline.

Ambry Genetics
Classification: Uncertain significance for Inborn genetic diseases. Last evaluated: 2022-12-27. Review status: criteria provided, single submitter. Criteria: Ambry Variant Classification Scheme 2023. Collection method: clinical testing. Allele origin: germline.